The following is an entry in ClinVar:

ClinVar aggregate classification (germline): Uncertain significance (1 of 4 stars; one submission).

Conditions:
Hypertrophic cardiomyopathy. Also called: HYPERTROPHIC MYOCARDIOPATHY. Identifiers: Orphanet 217569, MedGen C0007194, MeSH D002312, MONDO:0005045, HP:0001639.

Allele frequency attached by ClinVar (database versions not stated): gnomAD exomes 0.00001; ExAC 0.00002.
gnomAD v4.1: 18 of 1,610,860 alleles (0.0011%); highest among the groups gnomAD compares: South Asian, 0.018%; no homozygotes.

Submission:

Labcorp Genetics (formerly Invitae), Labcorp
Classification: Uncertain significance for Hypertrophic cardiomyopathy. Last evaluated: 2023-09-19. Review status: criteria provided, single submitter. Criteria: Invitae Variant Classification Sherloc (09022015). Collection method: clinical testing. Allele origin: germline.
Comment: This sequence change replaces glycine, which is neutral and non-polar, with aspartic acid, which is acidic and polar, at codon 1190 of the MYOM1 protein (p.Gly1190Asp). In summary, the available evidence is currently insufficient to determine the role of this variant in disease. Therefore, it has been classified as a Variant of Uncertain Significance. Advanced modeling of protein sequence and biophysical properties (such as structural, functional, and spatial information, amino acid conservation, physicochemical variation, residue mobility, and thermodynamic stability) has been performed at Invitae for this missense variant, however the output from this modeling did not meet the statistical confidence thresholds required to predict the impact of this variant on MYOM1 protein function. This variant has not been reported in the literature in individuals affected with MYOM1-related conditions. This variant is present in population databases (rs778549318, gnomAD 0.01%).

NM_003803.4(MYOM1):c.3569G>A (p.Gly1190Asp)

Gene: MYOM1 (myomesin 1; minus strand). Cytogenetic location: 18p11.31.
Variant type: single nucleotide variant.
Coding change: c.3569G>A on transcript NM_003803.4 (MANE Select); coding-DNA position 3569, G replaced by A.
Protein change: p.Gly1190Asp; replaces glycine 1190 with aspartic acid.
Molecular consequence: missense variant.
Genome position (GRCh38, 1-based): chr18:3,102,480, C>T on the plus strand (G>A on the coding strand, the complement: MYOM1 is on the minus strand). VCF-style: chr18-3102480-C-T. GRCh37 (hg19) VCF-style: chr18-3102478-C-T.
Other names: c.3281G>A, p.Gly1094Asp (NM_019856.2); short protein forms G1190D, G1094D.
Identifiers: ClinVar variation 2734730 (VCV002734730.3), dbSNP rs778549318, ClinGen allele CA8874259.